The following is an entry in ClinVar:

NM_007294.4(BRCA1):c.1007C>G (p.Thr336Arg)

Gene: BRCA1 (BRCA1 DNA repair associated; minus strand). Cytogenetic location: 17q21.31.
Variant type: single nucleotide variant.
Coding change: c.1007C>G on transcript NM_007294.4 (MANE Select); coding-DNA position 1007, C replaced by G.
Protein change: p.Thr336Arg; replaces threonine 336 with arginine.
Molecular consequence: missense variant. On other transcripts: intron variant (137).
Genome position (GRCh38, 1-based): chr17:43,094,524, G>C on the plus strand (C>G on the coding strand, the complement: BRCA1 is on the minus strand). VCF-style: chr17-43094524-G-C. GRCh37 (hg19) VCF-style: chr17-41246541-G-C.
Other names: c.884C>G, p.Thr295Arg (NM_001407677.1, NM_001407678.1, NM_001407679.1 and 19 more transcripts); c.866C>G, p.Thr289Arg (NM_001407694.1, NM_001407695.1, NM_001407696.1 and 29 more transcripts); c.863C>G, p.Thr288Arg (NM_001407740.1, NM_001407741.1, NM_001407742.1 and 20 more transcripts); c.803C>G, p.Thr268Arg (NM_001407875.1, NM_001407874.1); c.797C>G, p.Thr266Arg (NM_001407879.1, NM_001407881.1, NM_001407882.1 and 13 more transcripts); c.794C>G, p.Thr265Arg (NM_001407915.1, NM_001407916.1, NM_001407917.1 and 9 more transcripts); c.740C>G, p.Thr247Arg (NM_001407930.1, NM_001407931.1, NM_001407932.1 and 2 more transcripts); c.743C>G, p.Thr248Arg (NM_001407933.1, NM_001407935.1, NM_001407920.1 and 9 more transcripts); and 40 more; short protein forms T289R, T336R, T268R, T269R, T288R, T295R, T208R, T294R.
Identifiers: ClinVar variation 818253 (VCV000818253.17), dbSNP rs1597878639, ClinGen allele CA10600047.

ClinVar aggregate classification (germline): Conflicting classifications of pathogenicity. Review status: criteria provided, conflicting classifications (1 of 4 stars). 5 submissions from 5 submitters: Uncertain significance (3); Likely benign (2). Last evaluated 2025-04-22.

Conditions:
Hereditary cancer-predisposing syndrome. Also called: Hereditary Cancer Syndrome; Hereditary neoplastic syndrome; Neoplastic Syndromes, Hereditary; Tumor predisposition. Identifiers: Orphanet 140162, MedGen C0027672, MeSH D009386, MONDO:0015356.
Hereditary breast ovarian cancer syndrome. Also called: BRCA1- and BRCA2-Associated Hereditary Breast and Ovarian Cancer; Hereditary breast and ovarian cancer syndrome (HBOC); Hereditary breast and ovarian cancer syndrome; Breast and ovarian cancer; Hereditary breast and ovarian cancer; Hereditary breast and/or ovarian cancer syndrome. Identifiers: Orphanet 145, MedGen C0677776, MeSH D061325, MONDO:0003582. Disease mechanism: loss of function.
BRCA1-related cancer predisposition. Identifiers: MedGen CN377757, MONDO:0700268.
Breast-ovarian cancer, familial, susceptibility to, 1 (BROVCA1). Also called: OVARIAN CANCER, SUSCEPTIBILITY TO; BRCA1 Hereditary Breast and Ovarian Cancer. Identifiers: Orphanet 145, MedGen C2676676, MONDO:0011450, OMIM 604370. Disease mechanism: loss of function.

Submissions (5):

Ambry Genetics
Classification: Uncertain significance for Hereditary cancer-predisposing syndrome. Last evaluated: 2025-04-22. Review status: criteria provided, single submitter. Criteria: Ambry Variant Classification Scheme 2023. Collection method: clinical testing. Allele origin: germline.
Comment: The p.T336R variant (also known as c.1007C>G), located in coding exon 9 of the BRCA1 gene, results from a C to G substitution at nucleotide position 1007. The threonine at codon 336 is replaced by arginine, an amino acid with similar properties. This amino acid position is not well conserved in available vertebrate species. In addition, the in silico prediction for this alteration is inconclusive. Based on the available evidence, the clinical significance of this variant remains unclear.

All of Us Research Program, National Institutes of Health
Classification: Uncertain significance for BRCA1-related cancer predisposition. Last evaluated: 2024-09-23. Review status: criteria provided, single submitter. Criteria: ACMG Guidelines, 2015. Collection method: clinical testing. Allele origin: germline. Inheritance: Autosomal dominant inheritance. Observed: 1 variant allele, 1 heterozygote.
Comment: This study involves interpretation of variants in research participants for the purpose of population health screening. Participant phenotype was not available at the time of variant classification. Additional details can be found in publication PMID: 35346344, PMCID: PMC8962531

Labcorp Genetics (formerly Invitae), Labcorp
Classification: Uncertain significance for Hereditary breast ovarian cancer syndrome. Last evaluated: 2024-09-14. Review status: criteria provided, single submitter. Criteria: Invitae Variant Classification Sherloc (09022015). Collection method: clinical testing. Allele origin: germline.
Comment: This sequence change replaces threonine, which is neutral and polar, with arginine, which is basic and polar, at codon 336 of the BRCA1 protein (p.Thr336Arg). This variant is not present in population databases (gnomAD no frequency). This missense change has been observed in individual(s) with clinical features of BRCA1-related conditions (PMID: 21520333). ClinVar contains an entry for this variant (Variation ID: 818253). Invitae Evidence Modeling of protein sequence and biophysical properties (such as structural, functional, and spatial information, amino acid conservation, physicochemical variation, residue mobility, and thermodynamic stability) indicates that this missense variant is not expected to disrupt BRCA1 protein function with a negative predictive value of 95%. In summary, the available evidence is currently insufficient to determine the role of this variant in disease. Therefore, it has been classified as a Variant of Uncertain Significance.

Myriad Genetics, Inc.
Classification: Likely benign for Breast-ovarian cancer, familial, susceptibility to, 1. Last evaluated: 2023-04-03. Review status: criteria provided, single submitter. Criteria: Myriad Autosomal Dominant, Autosomal Recessive and X-Linked Classification Criteria (2023). Collection method: clinical testing. Allele origin: unknown.
Comment: This variant is considered likely benign. This variant is strongly associated with less severe personal and family histories of cancer, typical for individuals without pathogenic variants in this gene [PMID: 25085752].

University of Washington Department of Laboratory Medicine, University of Washington
Classification: Likely benign for Hereditary cancer-predisposing syndrome. Last evaluated: 2023-03-23. Review status: criteria provided, single submitter. Criteria: Dines et al. (Genet Med. 2020). Collection method: curation. Allele origin: germline.
Comment: Missense variant in a coldspot region where missense variants are very unlikely to be pathogenic (PMID:31911673).

BRCA1 coldspot (exon 11 using historical exon numbering). Reclassification based on statistical prior probability

Literature cited by the submitters: PubMed 21520333 (cited by Labcorp Genetics (formerly Invitae), Labcorp); PubMed 25085752 (cited by Myriad Genetics, Inc.).